The following is an entry in ClinVar:

NM_001018115.3(FANCD2):c.1116del (p.Ser373fs)

Genes: FANCD2 (FA complementation group D2; plus strand), LOC107303338 (3p25 FANCD2 Alu-mediated recombination region; plus strand). Cytogenetic location: 3p25.3.
Variant type: Deletion.
Coding change: c.1116del on transcript NM_001018115.3 (MANE Select); coding-DNA position 1116, one base deleted (C; older notation c.1116delC).
Protein change: p.Ser373fs; shifts the reading frame from serine 373.
Molecular consequence: frameshift variant.
Genome position (GRCh38, 1-based): chr3:10,043,846, C deleted; the last of 2 consecutive C bases (chr3:10,043,845-10,043,846); deleting either gives the same sequence. VCF-style (leftmost placement, unchanged base first): chr3-10043844-GC-G. GRCh37 (hg19) VCF-style: chr3-10085528-GC-G.
Other names: c.1116del, p.Ser373fs (NM_001319984.2, NM_001374253.1, NM_001374254.1 and 1 more transcripts); short protein forms S373fs.
Identifiers: ClinVar variation 2978146 (VCV002978146.3), dbSNP rs2470759676, ClinGen allele CA2740094301.

ClinVar aggregate classification (germline): Pathogenic (1 of 4 stars; one submission).

Conditions:
Fanconi anemia (FA). Also called: Fanconi's anemia. Identifiers: Orphanet 84, MedGen C0015625, MeSH D005199, MONDO:0019391.

Submission:

Labcorp Genetics (formerly Invitae), Labcorp
Classification: Pathogenic for Fanconi anemia. Last evaluated: 2023-04-24. Review status: criteria provided, single submitter. Criteria: Invitae Variant Classification Sherloc (09022015). Collection method: clinical testing. Allele origin: germline.
Comment: This sequence change creates a premature translational stop signal (p.Ser373Glnfs*11) in the FANCD2 gene. It is expected to result in an absent or disrupted protein product. Loss-of-function variants in FANCD2 are known to be pathogenic (PMID: 17436244). This variant is not present in population databases (gnomAD no frequency). For these reasons, this variant has been classified as Pathogenic. This variant has not been reported in the literature in individuals affected with FANCD2-related conditions.

Literature cited by the submitters: PubMed 17436244.